The following is an entry in ClinVar:

ClinVar aggregate classification (germline): Uncertain significance (1 of 4 stars; one submission).

Conditions:
Long QT syndrome (LQTS). Identifiers: MedGen C0023976, MeSH D008133, MONDO:0002442. Disease mechanism: loss of function. Inheritance: Various modes of inheritance.

gnomAD v4.1: 2 of 1,613,994 alleles (0.00012%); highest among the groups gnomAD compares: Non-Finnish European, 0.00017%; no homozygotes.

Submissions (2):

Labcorp Genetics (formerly Invitae), Labcorp
Classification: Uncertain significance for Long QT syndrome. Last evaluated: 2023-08-09. Review status: criteria provided, single submitter. Criteria: Invitae Variant Classification Sherloc (09022015). Collection method: clinical testing. Allele origin: germline.
Comment: In summary, the available evidence is currently insufficient to determine the role of this variant in disease. Therefore, it has been classified as a Variant of Uncertain Significance. Variants that disrupt the consensus splice site are a relatively common cause of aberrant splicing (PMID: 17576681, 9536098). Algorithms developed to predict the effect of sequence changes on RNA splicing suggest that this variant may disrupt the consensus splice site. ClinVar contains an entry for this variant (Variation ID: 1428754). This variant has not been reported in the literature in individuals affected with SNTA1-related conditions. This variant is not present in population databases (gnomAD no frequency). This sequence change falls in intron 7 of the SNTA1 gene. It does not directly change the encoded amino acid sequence of the SNTA1 protein. It affects a nucleotide within the consensus splice site.

Dr. Peter K. Rogan Lab, Western University
No classification provided (evidence only). Condition: Thyroid cancer, nonmedullary, 1. Review status: no classification provided. Collection method: in vitro. Allele origin: not applicable. Functional consequence: retained intron. Not counted in ClinVar's aggregate classification.

Literature cited by the submitters: PubMed 17576681 (cited by Labcorp Genetics (formerly Invitae), Labcorp); PubMed 9536098 (cited by Labcorp Genetics (formerly Invitae), Labcorp).

NM_003098.3(SNTA1):c.1425+1G>T

Gene: SNTA1 (syntrophin alpha 1; minus strand). Cytogenetic location: 20q11.21.
Variant type: single nucleotide variant.
Coding change: c.1425+1G>T on transcript NM_003098.3 (MANE Select); the canonical splice donor site of the intron after coding-DNA position 1425, G replaced by T.
Molecular consequence: splice donor variant.
Genome position (GRCh38, 1-based): chr20:33,408,700, C>A on the plus strand (G>T on the coding strand, the complement: SNTA1 is on the minus strand). VCF-style: chr20-33408700-C-A. GRCh37 (hg19) VCF-style: chr20-31996506-C-A.
Identifiers: ClinVar variation 1428754 (VCV001428754.7), dbSNP rs113809208, ClinGen allele CA408630063.